The following is an entry in ClinVar:

ClinVar aggregate classification (germline): Uncertain significance (1 of 4 stars; one submission).

Conditions:
Combined immunodeficiency due to MALT1 deficiency. Also called: Immunodeficiency 12. Identifiers: Orphanet 397964, MedGen C3809583, MONDO:0014197, OMIM 615468.

Submission:

Labcorp Genetics (formerly Invitae), Labcorp
Classification: Uncertain significance for Combined immunodeficiency due to MALT1 deficiency. Last evaluated: 2019-05-04. Review status: criteria provided, single submitter. Criteria: Invitae Variant Classification Sherloc (09022015). Collection method: clinical testing. Allele origin: germline.
Comment: This variant has not been reported in the literature in individuals with MALT1-related conditions. In summary, the available evidence is currently insufficient to determine the role of this variant in disease. Therefore, it has been classified as a Variant of Uncertain Significance. Experimental studies and prediction algorithms are not available for this variant, and the functional significance of the affected amino acid(s) is currently unknown. This variant is not present in population databases (ExAC no frequency). This variant, c.2386_2400dup, results in the insertion of 5 amino acid(s) to the MALT1 protein (p.Cys796_Arg800dup), but otherwise preserves the integrity of the reading frame.

NM_006785.4(MALT1):c.2386_2400dup (p.Cys796_Arg800dup)

Gene: MALT1 (MALT1 paracaspase; plus strand). Cytogenetic location: 18q21.32.
Variant type: Duplication.
Coding change: c.2386_2400dup on transcript NM_006785.4 (MANE Select); coding-DNA positions 2386 to 2400, 15 bases duplicated (TGTCATTTTAGTAGA).
Protein change: p.Cys796_Arg800dup.
Molecular consequence: inframe insertion.
Genome position (GRCh38, 1-based): chr18:58,747,753-58,747,767, TGTCATTTTAGTAGA duplicated; duplicating any 15 consecutive bases within chr18:58,747,752-58,747,767 gives the same sequence; the c. name uses the placement nearest the transcript's 3' end. VCF-style (leftmost placement, unchanged base first): chr18-58747751-C-CATGTCATTTTAGTAG. GRCh37 (hg19) VCF-style: chr18-56414983-C-CATGTCATTTTAGTAG.
Other names: c.2353_2367dup, p.Cys785_Arg789dup (NM_173844.3).
Identifiers: ClinVar variation 944224 (VCV000944224.9), dbSNP rs2055390097, ClinGen allele CA1139666135.